The following is an entry in ClinVar:

ClinVar aggregate classification (germline): Likely benign. Review status: criteria provided, single submitter (1 of 4 stars). 2 submissions from 2 submitters: Likely benign (1). 1 of the submissions does not count toward it. Last evaluated 2026-08-01.

Conditions:
SHANK2-related disorder.

Allele frequency attached by ClinVar (database versions not stated): gnomAD 0.00005; TOPMed 0.00005; gnomAD exomes 0.00008; ExAC 0.00009.
gnomAD v4.1: 122 of 1,551,278 alleles (0.0079%); highest among the groups gnomAD compares: Middle Eastern, 0.017%; no homozygotes.

Submissions (2):

CeGaT Center for Human Genetics Tuebingen
Classification: Likely benign. Last evaluated: 2026-08-01. Review status: criteria provided, single submitter. Criteria: CeGaT Center For Human Genetics Tuebingen Variant Classification Criteria Version 2. Collection method: clinical testing. Allele origin: germline. Affected: yes. Observed: 2 variant alleles.
Comment: SHANK2: BP4, BP7

PreventionGenetics, part of Exact Sciences
Classification: Likely benign for SHANK2-related condition. Last evaluated: 2023-01-12. Review status: no assertion criteria provided. Collection method: clinical testing. Allele origin: germline. Not counted in ClinVar's aggregate classification.
Comment: This variant is classified as likely benign based on ACMG/AMP sequence variant interpretation guidelines (Richards et al. 2015 PMID: 25741868, with internal and published modifications).

NM_012309.5(SHANK2):c.891C>T (p.Asn297=)

Gene: SHANK2 (SH3 and multiple ankyrin repeat domains 2; minus strand). Cytogenetic location: 11q13.4.
Variant type: single nucleotide variant.
Coding change: c.891C>T on transcript NM_012309.5 (MANE Select); coding-DNA position 891, C replaced by T.
Protein change: p.Asn297=; no amino-acid change (asparagine 297 retained).
Molecular consequence: synonymous variant.
Genome position (GRCh38, 1-based): chr11:71,092,443, G>A on the plus strand (C>T on the coding strand, the complement: SHANK2 is on the minus strand). VCF-style: chr11-71092443-G-A. GRCh37 (hg19) VCF-style: chr11-70803489-G-A.
Identifiers: ClinVar variation 3030806 (VCV003030806.8), dbSNP rs782183599, ClinGen allele CA6162061.